The following is an entry in ClinVar:

NM_000451.4(SHOX):c.774G>C (p.Ser258=)

Gene: SHOX (SHOX homeobox; plus strand). Cytogenetic location: Xp22.33.
Variant type: single nucleotide variant.
Coding change: c.774G>C on transcript NM_000451.4 (MANE Select); coding-DNA position 774, G replaced by C.
Protein change: p.Ser258=; no amino-acid change (serine 258 retained).
Molecular consequence: synonymous variant. On other transcripts: intron variant (1).
Genome position (GRCh38, 1-based): chrX:644,531, G>C. VCF-style: chrX-644531-G-C. GRCh37 (hg19) VCF-style: chrX-605266-G-C.
Other names: c.633+3444G>C (NM_006883.2); c.774G>C (NM_000451.3).
Identifiers: ClinVar variation 4526146 (VCV004526146.2).
Genomic context (GRCh38, chrX:644,531, plus strand): 5'-CCTGATGTTCCCCCCGCCGCCCTTCGGGCTGCCCATCGCGTCGCTGGCCGAGTCCGCCTC[G>C]GCCGCCGCCGTGGTCGCCGCCGCCGCCAAAAGCAACAGCAAGAATTCCAGCATCGCCGAC-3'
Protein context (NP_000442.1, residues 248-268): LPIASLAESA[Ser258=]AAAVVAAAAK

ClinVar aggregate classification (germline): Likely benign. Review status: criteria provided, multiple submitters, no conflicts (2 of 4 stars). 2 submissions from 2 submitters: Likely benign (2). Last evaluated 2025-08-08.

gnomAD v4.1: 18 of 1,517,840 alleles (0.0012%); highest among the groups gnomAD compares: Admixed American, 0.028%; no homozygotes.

Submissions (2):

Athena Diagnostics
Classification: Likely benign. Last evaluated: 2025-08-08. Review status: criteria provided, single submitter. Criteria: Athena Diagnostics Criteria. Collection method: clinical testing. Allele origin: unknown.
Comment: Computational tools yielded predictions that this variant is unlikely to have an effect on normal RNA splicing. This nucleotide position exhibits low evolutionary conservation.

Women's Health and Genetics/Laboratory Corporation of America, LabCorp
Classification: Likely benign. Last evaluated: 2025-07-29. Review status: criteria provided, single submitter. Criteria: LabCorp Variant Classification Summary - May 2015. Collection method: clinical testing. Allele origin: germline.